The following is an entry in ClinVar:

ClinVar aggregate classification (germline): Pathogenic/Likely pathogenic. Review status: criteria provided, multiple submitters, no conflicts (2 of 4 stars). 3 submissions from 3 submitters: Pathogenic (1); Likely pathogenic (1). 1 of the submissions does not count toward it. Last evaluated 2023-02-08.

Conditions:
Autosomal recessive limb-girdle muscular dystrophy type 2D (LGMDR3). Also called: DUCHENNE-LIKE AUTOSOMAL RECESSIVE MUSCULAR DYSTROPHY, TYPE 2; ADHALINOPATHY, PRIMARY; MUSCULAR DYSTROPHY, LIMB-GIRDLE, AUTOSOMAL RECESSIVE 3. Identifiers: Orphanet 62, MedGen C2936332, MONDO:0011968, OMIM 608099. Disease mechanism: Affects gamma-sarcoglycan and also disrupts the integrity of the entire sarcoglycan complex..

gnomAD v4.1: 1 of 1,609,960 alleles (0.000062%); highest among the groups gnomAD compares: Non-Finnish European, 0.000085%; no homozygotes.

Submissions (3):

Genome-Nilou Lab
Classification: Likely pathogenic for Autosomal recessive limb-girdle muscular dystrophy type 2D. Last evaluated: 2023-02-08. Review status: criteria provided, single submitter. Criteria: ACMG Guidelines, 2015. Collection method: clinical testing. Allele origin: germline.

Labcorp Genetics (formerly Invitae), Labcorp
Classification: Pathogenic for Autosomal recessive limb-girdle muscular dystrophy type 2D. Last evaluated: 2022-05-31. Review status: criteria provided, single submitter. Criteria: Invitae Variant Classification Sherloc (09022015). Collection method: clinical testing. Allele origin: germline.
Comment: For these reasons, this variant has been classified as Pathogenic. ClinVar contains an entry for this variant (Variation ID: 550601). This variant is not present in population databases (gnomAD no frequency). This variant has not been reported in the literature in individuals affected with SGCA-related conditions. This sequence change creates a premature translational stop signal (p.Glu352*) in the SGCA gene. It is expected to result in an absent or disrupted protein product. Loss-of-function variants in SGCA are known to be pathogenic (PMID: 9192266).

Counsyl
Classification: Likely pathogenic for Autosomal recessive limb-girdle muscular dystrophy type 2D. Last evaluated: 2017-02-03. Review status: no assertion criteria provided. Collection method: clinical testing. Allele origin: unknown. Not counted in ClinVar's aggregate classification.

Literature cited by the submitters: PubMed 9192266 (cited by Labcorp Genetics (formerly Invitae), Labcorp).

NM_000023.4(SGCA):c.1054G>T (p.Glu352Ter)

Gene: SGCA (sarcoglycan alpha; plus strand). Cytogenetic location: 17q21.33.
Variant type: single nucleotide variant.
Coding change: c.1054G>T on transcript NM_000023.4 (MANE Select); coding-DNA position 1054, G replaced by T.
Protein change: p.Glu352Ter; replaces glutamic acid 352 with a stop codon.
Molecular consequence: nonsense. On other transcripts: non-coding transcript variant (1).
Genome position (GRCh38, 1-based): chr17:50,175,327, G>T. VCF-style: chr17-50175327-G-T. GRCh37 (hg19) VCF-style: chr17-48252688-G-T.
Other names: c.682G>T, p.Glu228Ter (NM_001135697.3); short protein forms E352*, E228*.
Identifiers: ClinVar variation 550601 (VCV000550601.7), dbSNP rs763372958, ClinGen allele CA400184157.